The following is an entry in ClinVar:

ClinVar aggregate classification (germline): Uncertain significance (1 of 4 stars; one submission).

Conditions:
Hereditary cancer-predisposing syndrome. Also called: Neoplastic Syndromes, Hereditary; Tumor predisposition; Hereditary Cancer Syndrome; Hereditary neoplastic syndrome. Identifiers: Orphanet 140162, MedGen C0027672, MeSH D009386, MONDO:0015356.

Submission:

Ambry Genetics
Classification: Uncertain significance for Hereditary cancer-predisposing syndrome. Last evaluated: 2024-11-25. Review status: criteria provided, single submitter. Criteria: Ambry Variant Classification Scheme 2023. Collection method: clinical testing. Allele origin: germline.
Comment: The p.L966H variant (also known as c.2897T>A), located in coding exon 22 of the POLD1 gene, results from a T to A substitution at nucleotide position 2897. The leucine at codon 966 is replaced by histidine, an amino acid with similar properties. This amino acid position is conserved. In addition, the in silico prediction for this alteration is inconclusive. Based on the available evidence, the clinical significance of this variant remains unclear.

NM_002691.4(POLD1):c.2897T>A (p.Leu966His)

Gene: POLD1 (DNA polymerase delta 1, catalytic subunit; plus strand). Cytogenetic location: 19q13.33.
Variant type: single nucleotide variant.
Coding change: c.2897T>A on transcript NM_002691.4 (MANE Select); coding-DNA position 2897, T replaced by A.
Protein change: p.Leu966His; replaces leucine 966 with histidine.
Molecular consequence: missense variant. On other transcripts: non-coding transcript variant (1).
Genome position (GRCh38, 1-based): chr19:50,416,472, T>A. VCF-style: chr19-50416472-T-A. GRCh37 (hg19) VCF-style: chr19-50919729-T-A.
Other names: c.2897T>A, p.Leu966His (NM_001256849.1); c.2975T>A, p.Leu992His (NM_001308632.1); short protein forms L992H, L966H.
Identifiers: ClinVar variation 3422017 (VCV003422017.1).